The following is an entry in ClinVar:

ClinVar aggregate classification (germline): Uncertain significance (1 of 4 stars; one submission).

Allele frequency attached by ClinVar (database versions not stated): gnomAD exomes below 0.00001; TOPMed below 0.00001; gnomAD 0.00001.
gnomAD v4.1: 2 of 1,515,646 alleles (0.00013%); highest among the groups gnomAD compares: Non-Finnish European, 0.00018%; no homozygotes.

Submission:

Ambry Genetics
Classification: Uncertain significance. Last evaluated: 2023-01-02. Review status: criteria provided, single submitter. Criteria: Ambry Variant Classification Scheme 2023. Collection method: clinical testing. Allele origin: germline.
Comment: The p.F55L variant (also known as c.165T>G), located in coding exon 3 of the NPAT gene, results from a T to G substitution at nucleotide position 165. The phenylalanine at codon 55 is replaced by leucine, an amino acid with highly similar properties. This amino acid position is conserved. In addition, this alteration is predicted to be tolerated by in silico analysis. Since supporting evidence is limited at this time, the clinical significance of this alteration remains unclear.

NM_002519.3(NPAT):c.165T>G (p.Phe55Leu)

Gene: NPAT (nuclear protein, coactivator of histone transcription; minus strand). Cytogenetic location: 11q22.3.
Variant type: single nucleotide variant.
Coding change: c.165T>G on transcript NM_002519.3 (MANE Select); coding-DNA position 165, T replaced by G.
Protein change: p.Phe55Leu; replaces phenylalanine 55 with leucine.
Molecular consequence: missense variant.
Genome position (GRCh38, 1-based): chr11:108,194,009, A>C on the plus strand (T>G on the coding strand, the complement: NPAT is on the minus strand). VCF-style: chr11-108194009-A-C. GRCh37 (hg19) VCF-style: chr11-108064736-A-C.
Other names: c.165T>G, p.Phe55Leu (NM_001321307.1); short protein forms F55L.
Identifiers: ClinVar variation 2453769 (VCV002453769.2), dbSNP rs1440522483, ClinGen allele CA382526895.